The following is an entry in ClinVar:

NM_133642.5(LARGE1):c.1799T>C (p.Leu600Pro)

Gene: LARGE1 (LARGE xylosyl- and glucuronyltransferase 1; minus strand). Cytogenetic location: 22q12.3.
Variant type: single nucleotide variant.
Coding change: c.1799T>C on transcript NM_133642.5 (MANE Select); coding-DNA position 1799, T replaced by C.
Protein change: p.Leu600Pro; replaces leucine 600 with proline.
Molecular consequence: missense variant. On other transcripts: intron variant (3).
Genome position (GRCh38, 1-based): chr22:33,283,280, A>G on the plus strand (T>C on the coding strand, the complement: LARGE1 is on the minus strand). VCF-style: chr22-33283280-A-G. GRCh37 (hg19) VCF-style: chr22-33679266-A-G.
Other names: c.1799T>C, p.Leu600Pro (NM_001362949.2, NM_001362951.2, NM_001362953.2 and 4 more transcripts); c.1643T>C, p.Leu548Pro (NM_001378629.1); c.1196T>C, p.Leu399Pro (NM_001378630.1); c.1731-6025T>C (NM_001378627.1, NM_001378628.1); c.972-6025T>C (NM_001378631.1); short protein forms L399P, L548P, L600P.
Identifiers: ClinVar variation 1015659 (VCV001015659.7), dbSNP rs1930821948, ClinGen allele CA411543407.

ClinVar aggregate classification (germline): Uncertain significance (1 of 4 stars; one submission).

Conditions:
Muscular dystrophy-dystroglycanopathy type B6 (MDDGB6). Also called: MUSCULAR DYSTROPHY-DYSTROGLYCANOPATHY (CONGENITAL WITH IMPAIRED INTELLECTUAL DEVELOPMENT), TYPE B, 6; MUSCULAR DYSTROPHY, CONGENITAL, LARGE-RELATED; MUSCULAR DYSTROPHY, CONGENITAL, TYPE 1D. Identifiers: MedGen C1837229, MONDO:0012138, OMIM 608840.

Allele frequency attached by ClinVar (database versions not stated): TOPMed below 0.00001; gnomAD 0.00001.
gnomAD v4.1: 1 of 1,614,040 alleles (0.000062%); highest among the groups gnomAD compares: Non-Finnish European, 0.000085%; no homozygotes.

Submission:

Labcorp Genetics (formerly Invitae), Labcorp
Classification: Uncertain significance for Muscular dystrophy-dystroglycanopathy type B6. Last evaluated: 2023-11-27. Review status: criteria provided, single submitter. Criteria: Invitae Variant Classification Sherloc (09022015). Collection method: clinical testing. Allele origin: germline.
Comment: This sequence change replaces leucine, which is neutral and non-polar, with proline, which is neutral and non-polar, at codon 600 of the LARGE1 protein (p.Leu600Pro). This variant is not present in population databases (gnomAD no frequency). This variant has not been reported in the literature in individuals affected with LARGE1-related conditions. ClinVar contains an entry for this variant (Variation ID: 1015659). Advanced modeling of protein sequence and biophysical properties (such as structural, functional, and spatial information, amino acid conservation, physicochemical variation, residue mobility, and thermodynamic stability) performed at Invitae indicates that this missense variant is not expected to disrupt LARGE1 protein function with a negative predictive value of 80%. In summary, the available evidence is currently insufficient to determine the role of this variant in disease. Therefore, it has been classified as a Variant of Uncertain Significance.